The following is an entry in ClinVar:

ClinVar aggregate classification (germline): Uncertain significance. Review status: criteria provided, multiple submitters, no conflicts (2 of 4 stars). 2 submissions from 2 submitters: Uncertain significance (2). Last evaluated 2025-09-22.

Conditions:
SLCO1B3-related disorder. Also called: SLCO1B3-related condition.

gnomAD v4.1: 12 of 1,587,212 alleles (0.00076%); highest among the groups gnomAD compares: South Asian, 0.013%; 1 homozygote.

Submissions (2):

Ambry Genetics
Classification: Uncertain significance. Last evaluated: 2025-09-22. Review status: criteria provided, single submitter. Criteria: Ambry Variant Classification Scheme 2023. Collection method: clinical testing. Allele origin: germline.

PreventionGenetics, part of Exact Sciences
Classification: Uncertain significance for SLCO1B3-related condition. Last evaluated: 2025-08-12. Review status: criteria provided, single submitter. Criteria: ACMG Guidelines, 2015. Collection method: clinical testing. Allele origin: germline.
Comment: The SLCO1B3 c.238G>T variant is predicted to result in the amino acid substitution p.Val80Leu. To our knowledge, this variant has not been reported in the literature. This variant is reported in 0.0066% of alleles in individuals of South Asian descent in gnomAD. At this time, the clinical significance of this variant is uncertain due to the absence of conclusive functional and genetic evidence.

NM_019844.4(SLCO1B3):c.238G>T (p.Val80Leu)

Genes: SLCO1B3 (solute carrier organic anion transporter family member 1B3; plus strand), SLCO1B3-SLCO1B7 (SLCO1B3-SLCO1B7 readthrough; plus strand). Cytogenetic location: 12p12.2.
Variant type: single nucleotide variant.
Coding change: c.238G>T on transcript NM_019844.4 (MANE Select); coding-DNA position 238, G replaced by T.
Protein change: p.Val80Leu; replaces valine 80 with leucine.
Molecular consequence: missense variant.
Genome position (GRCh38, 1-based): chr12:20,858,450, G>T. VCF-style: chr12-20858450-G-T. GRCh37 (hg19) VCF-style: chr12-21011384-G-T.
Other names: c.238G>T (NM_019844.3); c.238G>T, p.Val80Leu (NM_001371097.1); c.154G>T, p.Val52Leu (NM_001349920.2); short protein forms V80L, V52L.
Identifiers: ClinVar variation 4586477 (VCV004586477.2).